The following is an entry in ClinVar:

NM_001083614.2(EARS2):c.563G>A (p.Arg188His)

Gene: EARS2 (glutamyl-tRNA synthetase 2, mitochondrial; minus strand). Cytogenetic location: 16p12.2.
Variant type: single nucleotide variant.
Coding change: c.563G>A on transcript NM_001083614.2 (MANE Select); coding-DNA position 563, G replaced by A.
Protein change: p.Arg188His; replaces arginine 188 with histidine.
Molecular consequence: missense variant. On other transcripts: non-coding transcript variant (1).
Genome position (GRCh38, 1-based): chr16:23,535,283, C>T on the plus strand (G>A on the coding strand, the complement: EARS2 is on the minus strand). VCF-style: chr16-23535283-C-T. GRCh37 (hg19) VCF-style: chr16-23546604-C-T.
Other names: c.563G>A, p.Arg188His (NM_001308211.1, NM_133451.1); short protein forms R188H.
Identifiers: ClinVar variation 1915919 (VCV001915919.6), dbSNP rs780284833, ClinGen allele CA7962546.

ClinVar aggregate classification (germline): Uncertain significance. Review status: criteria provided, multiple submitters, no conflicts (2 of 4 stars). 2 submissions from 2 submitters: Uncertain significance (2). Last evaluated 2024-12-20.

Conditions:
Leukoencephalopathy-thalamus and brainstem anomalies-high lactate syndrome. Also called: LEUKOENCEPHALOPATHY WITH THALAMUS AND BRAINSTEM INVOLVEMENT AND HIGH LACTATE; Combined oxidative phosphorylation deficiency 12. Identifiers: Orphanet 314051, MedGen C4706421, MONDO:0013971, OMIM 614924.

Allele frequency attached by ClinVar (database versions not stated): ExAC 0.00001; gnomAD 0.00001; TOPMed 0.00001.

Submissions (2):

Laboratorio de Genetica e Diagnostico Molecular, Hospital Israelita Albert Einstein
Classification: Uncertain significance for Leukoencephalopathy-thalamus and brainstem anomalies-high lactate syndrome. Last evaluated: 2024-12-20. Review status: criteria provided, single submitter. Criteria: ACMG Guidelines, 2015. Collection method: clinical testing. Allele origin: germline. Affected: yes.
Comment: ACMG classification criteria: PM2 supporting

Labcorp Genetics (formerly Invitae), Labcorp
Classification: Uncertain significance. Last evaluated: 2023-11-27. Review status: criteria provided, single submitter. Criteria: Invitae Variant Classification Sherloc (09022015). Collection method: clinical testing. Allele origin: germline.
Comment: This sequence change replaces arginine, which is basic and polar, with histidine, which is basic and polar, at codon 188 of the EARS2 protein (p.Arg188His). The frequency data for this variant in the population databases is considered unreliable, as metrics indicate poor data quality at this position in the gnomAD database. This variant has not been reported in the literature in individuals affected with EARS2-related conditions. ClinVar contains an entry for this variant (Variation ID: 1915919). Advanced modeling of protein sequence and biophysical properties (such as structural, functional, and spatial information, amino acid conservation, physicochemical variation, residue mobility, and thermodynamic stability) performed at Invitae indicates that this missense variant is expected to disrupt EARS2 protein function with a positive predictive value of 80%. In summary, the available evidence is currently insufficient to determine the role of this variant in disease. Therefore, it has been classified as a Variant of Uncertain Significance.